The following is an entry in ClinVar:

ClinVar aggregate classification (germline): Uncertain significance (1 of 4 stars; one submission).

Conditions:
Cyclical neutropenia. Also called: Cyclic Neutropenia; Cyclic hematopoiesis. Identifiers: Orphanet 2686, MedGen C0221023, MONDO:0008090, OMIM 162800, HP:0040289. Disease mechanism: loss of function.
Neutropenia, severe congenital, 1, autosomal dominant. Identifiers: MedGen C1859966, MONDO:0042490, OMIM 202700.

Allele frequency attached by ClinVar (database versions not stated): ExAC 0.00001; gnomAD exomes 0.00001.
gnomAD v4.1: 14 of 1,608,652 alleles (0.00087%); highest among the groups gnomAD compares: Non-Finnish European, 0.0011%; no homozygotes.

Submission:

Labcorp Genetics (formerly Invitae), Labcorp
Classification: Uncertain significance for Neutropenia, severe congenital, 1, autosomal dominant; Cyclical neutropenia. Last evaluated: 2021-04-18. Review status: criteria provided, single submitter. Criteria: Invitae Variant Classification Sherloc (09022015). Collection method: clinical testing. Allele origin: germline.
Comment: In summary, the available evidence is currently insufficient to determine the role of this variant in disease. Therefore, it has been classified as a Variant of Uncertain Significance. Algorithms developed to predict the effect of missense changes on protein structure and function (SIFT, PolyPhen-2, Align-GVGD) all suggest that this variant is likely to be disruptive, but these predictions have not been confirmed by published functional studies and their clinical significance is uncertain. This variant has not been reported in the literature in individuals with ELANE-related conditions. This variant is present in population databases (rs747108397, ExAC 0.002%). This sequence change replaces glycine with serine at codon 196 of the ELANE protein (p.Gly196Ser). The glycine residue is highly conserved and there is a small physicochemical difference between glycine and serine.

NM_001972.4(ELANE):c.586G>A (p.Gly196Ser)

Gene: ELANE (elastase, neutrophil expressed; plus strand). Cytogenetic location: 19p13.3.
Variant type: single nucleotide variant.
Coding change: c.586G>A on transcript NM_001972.4 (MANE Select); coding-DNA position 586, G replaced by A.
Protein change: p.Gly196Ser; replaces glycine 196 with serine.
Molecular consequence: missense variant.
Genome position (GRCh38, 1-based): chr19:855,783, G>A. VCF-style: chr19-855783-G-A. GRCh37 (hg19) VCF-style: chr19-855783-G-A.
Other names: short protein forms G196S.
Identifiers: ClinVar variation 1352228 (VCV001352228.8), dbSNP rs747108397, ClinGen allele CA9026102.